The following is an entry in ClinVar:

NM_000051.4(ATM):c.2522A>T (p.Asp841Val)

Gene: ATM (ATM serine/threonine kinase; plus strand). Cytogenetic location: 11q22.3.
Variant type: single nucleotide variant.
Coding change: c.2522A>T on transcript NM_000051.4 (MANE Select); coding-DNA position 2522, A replaced by T.
Protein change: p.Asp841Val; replaces aspartic acid 841 with valine.
Molecular consequence: missense variant.
Genome position (GRCh38, 1-based): chr11:108,267,226, A>T. VCF-style: chr11-108267226-A-T. GRCh37 (hg19) VCF-style: chr11-108137953-A-T.
Other names: c.2522A>T, p.Asp841Val (NM_001351834.2); short protein forms D841V.
Identifiers: ClinVar variation 2793524 (VCV002793524.3), dbSNP rs587781812, ClinGen allele CA382543492.

ClinVar aggregate classification (germline): Uncertain significance (1 of 4 stars; one submission).

Conditions:
Ataxia-telangiectasia syndrome (AT). Also called: Ataxia telangiectasia (A-T); Cerebello-oculocutaneous telangiectasia; Immunodeficiency with ataxia telangiectasia; ATAXIA-TELANGIECTASIA, FRESNO VARIANT; LOUIS-BAR SYNDROME; Ataxia-telangiectasia, complementation group D. Identifiers: Orphanet 100, MedGen C0004135, MONDO:0008840, OMIM 208900.

Submission:

Labcorp Genetics (formerly Invitae), Labcorp
Classification: Uncertain significance for Ataxia-telangiectasia syndrome. Last evaluated: 2023-06-27. Review status: criteria provided, single submitter. Criteria: Invitae Variant Classification Sherloc (09022015). Collection method: clinical testing. Allele origin: germline.
Comment: In summary, the available evidence is currently insufficient to determine the role of this variant in disease. Therefore, it has been classified as a Variant of Uncertain Significance. An algorithm developed to predict the effect of missense changes on protein structure and function (PolyPhen-2) suggests that this variant is likely to be disruptive. This variant has not been reported in the literature in individuals affected with ATM-related conditions. This variant is not present in population databases (gnomAD no frequency). This sequence change replaces aspartic acid, which is acidic and polar, with valine, which is neutral and non-polar, at codon 841 of the ATM protein (p.Asp841Val).